The following is an entry in ClinVar:

ClinVar aggregate classification (germline): Pathogenic (1 of 4 stars; one submission).

Conditions:
Ataxia-telangiectasia syndrome (AT). Also called: Cerebello-oculocutaneous telangiectasia; Immunodeficiency with ataxia telangiectasia; Ataxia-telangiectasia, complementation group E; Ataxia-telangiectasia, complementation group D; AT, COMPLEMENTATION GROUP C; ATAXIA-TELANGIECTASIA, COMPLEMENTATION GROUP A. Identifiers: Orphanet 100, MedGen C0004135, MONDO:0008840, OMIM 208900.

Submission:

Labcorp Genetics (formerly Invitae), Labcorp
Classification: Pathogenic for Ataxia-telangiectasia syndrome. Last evaluated: 2017-11-07. Review status: criteria provided, single submitter. Criteria: Invitae Variant Classification Sherloc (09022015). Collection method: clinical testing. Allele origin: germline.
Comment: This variant has not been reported in the literature in individuals with ATM-related disease. For these reasons, this variant has been classified as Pathogenic. Loss-of-function variants in ATM are known to be pathogenic (PMID: 23807571, 25614872). This variant is not present in population databases (ExAC no frequency). This sequence change creates a premature translational stop signal (p.Thr2396Leufs*10) in the ATM gene. It is expected to result in an absent or disrupted protein product.

Literature cited by the submitters: PubMed 23807571; PubMed 25614872.

NM_000051.4(ATM):c.7186del (p.Thr2396fs)

Genes: ATM (ATM serine/threonine kinase; plus strand), C11orf65 (chromosome 11 open reading frame 65; minus strand). Cytogenetic location: 11q22.3.
Variant type: Deletion.
Coding change: c.7186del on transcript NM_000051.4 (MANE Select); coding-DNA position 7186, one base deleted (A; older notation c.7186delA).
Protein change: p.Thr2396fs; shifts the reading frame from threonine 2396.
Molecular consequence: frameshift variant. On other transcripts: intron variant (2).
Genome position (GRCh38, 1-based): chr11:108,329,117, A deleted. VCF-style (leftmost placement, unchanged base first): chr11-108329116-TA-T. GRCh37 (hg19) VCF-style: chr11-108199843-TA-T.
Other names: c.*38+6103del (NM_001351110.2); c.7186del, p.Thr2396fs (NM_001351834.2); c.641-20046del (NM_001330368.2); short protein forms T2396fs.
Identifiers: ClinVar variation 524406 (VCV000524406.8), dbSNP rs1555122092, ClinGen allele CA658797767.